The following is an entry in ClinVar:

ClinVar aggregate classification (germline): Likely benign. Review status: criteria provided, single submitter (1 of 4 stars). 2 submissions from 2 submitters: Likely benign (1). 1 of the submissions does not count toward it. Last evaluated 2026-01-09.

Conditions:
FRAS1-related disorder. Also called: FRAS1-related condition.

Allele frequency attached by ClinVar (database versions not stated): gnomAD exomes 0.00009; ExAC 0.00018; gnomAD 0.00074; ESP Exome Variant Server 0.00081; TOPMed 0.00093.
gnomAD v4.1: 252 of 1,613,196 alleles (0.016%); highest among the groups gnomAD compares: African/African-American, 0.23%; no homozygotes.

Submissions (2):

Labcorp Genetics (formerly Invitae), Labcorp
Classification: Likely benign. Last evaluated: 2026-01-09. Review status: criteria provided, single submitter. Criteria: Invitae Variant Classification Sherloc (09022015). Collection method: clinical testing. Allele origin: germline.

PreventionGenetics, part of Exact Sciences
Classification: Likely benign for FRAS1-related condition. Last evaluated: 2023-12-01. Review status: no assertion criteria provided. Collection method: clinical testing. Allele origin: germline. Not counted in ClinVar's aggregate classification.
Comment: This variant is classified as likely benign based on ACMG/AMP sequence variant interpretation guidelines (Richards et al. 2015 PMID: 25741868, with internal and published modifications).

NM_025074.7(FRAS1):c.149G>A (p.Arg50His)

Gene: FRAS1 (Fraser extracellular matrix complex subunit 1; plus strand). Cytogenetic location: 4q21.21.
Variant type: single nucleotide variant.
Coding change: c.149G>A on transcript NM_025074.7 (MANE Select); coding-DNA position 149, G replaced by A.
Protein change: p.Arg50His; replaces arginine 50 with histidine.
Molecular consequence: missense variant.
Genome position (GRCh38, 1-based): chr4:78,237,550, G>A. VCF-style: chr4-78237550-G-A. GRCh37 (hg19) VCF-style: chr4-79158704-G-A.
Other names: c.149G>A, p.Arg50His (NM_001166133.2); c.149G>A (NM_025074.6); short protein forms R50H.
Identifiers: ClinVar variation 2050848 (VCV002050848.6), dbSNP rs200373425, ClinGen allele CA2975848.
Genomic context (GRCh38, chr4:78,237,550, plus strand): 5'-GAGCTTATGCCTCTTTACAGGATGCCACAATTTGGAAGCCCGATTCATGCCAGAGCTGCC[G>A]TTGCCATGGTGATATTGTTATCTGCAAACCTGCTGTTTGCAGAAACCCTCAATGTGCCTT-3'
Protein context (NP_079350.5, residues 40-60): IWKPDSCQSC[Arg50His]CHGDIVICKP